The following is an entry in ClinVar:

ClinVar aggregate classification (germline): Uncertain significance (1 of 4 stars; one submission).

Submission:

Laboratorio de Genetica e Diagnostico Molecular, Hospital Israelita Albert Einstein
Classification: Uncertain significance. Last evaluated: 2021-03-29. Review status: criteria provided, single submitter. Criteria: ACMG Guidelines, 2015. Collection method: clinical testing. Allele origin: germline. Affected: yes.
Comment: ACMG classification criteria: PM2, BP4

NM_018389.5(SLC35C1):c.1088G>A (p.Gly363Glu)

Gene: SLC35C1 (solute carrier family 35 member C1; plus strand). Cytogenetic location: 11p11.2.
Variant type: single nucleotide variant.
Coding change: c.1088G>A on transcript NM_018389.5 (MANE Select); coding-DNA position 1088, G replaced by A.
Protein change: p.Gly363Glu; replaces glycine 363 with glutamic acid.
Molecular consequence: missense variant.
Genome position (GRCh38, 1-based): chr11:45,811,328, G>A. VCF-style: chr11-45811328-G-A. GRCh37 (hg19) VCF-style: chr11-45832879-G-A.
Other names: c.1049G>A, p.Gly350Glu (NM_001145265.2, NM_001145266.2); short protein forms G350E, G363E.
Identifiers: ClinVar variation 1691013 (VCV001691013.2), dbSNP rs2134599013, ClinGen allele CA380207603.
Genomic context (GRCh38, chr11:45,811,328, plus strand): 5'-GGGAGATGAAGAAGACTCCGGAGGAGCCCAGCCCCAAAGACAGCGAGAAGAGCGCCATGG[G>A]GGTGTGAGCACCACAGGCACCCTGGATGGCCCGGCCCCGGGGCCCGTACACAGGCGGGGC-3'
Protein context (NP_060859.4, residues 353-364): SPKDSEKSAM[Gly363Glu]V